The following is an entry in ClinVar:

ClinVar aggregate classification (germline): Uncertain significance (1 of 4 stars; one submission).

Submission:

Labcorp Genetics (formerly Invitae), Labcorp
Classification: Uncertain significance. Last evaluated: 2022-01-21. Review status: criteria provided, single submitter. Criteria: Invitae Variant Classification Sherloc (09022015). Collection method: clinical testing. Allele origin: germline.
Comment: In summary, the available evidence is currently insufficient to determine the role of this variant in disease. Therefore, it has been classified as a Variant of Uncertain Significance. Advanced modeling of protein sequence and biophysical properties (such as structural, functional, and spatial information, amino acid conservation, physicochemical variation, residue mobility, and thermodynamic stability) performed at Invitae indicates that this missense variant is not expected to disrupt FAT4 protein function. This variant has not been reported in the literature in individuals affected with FAT4-related conditions. This variant is not present in population databases (gnomAD no frequency). This sequence change replaces serine, which is neutral and polar, with leucine, which is neutral and non-polar, at codon 4388 of the FAT4 protein (p.Ser4388Leu).

NM_001291303.3(FAT4):c.13169C>T (p.Ser4390Leu)

Gene: FAT4 (FAT atypical cadherin 4; plus strand). Cytogenetic location: 4q28.1.
Variant type: single nucleotide variant.
Coding change: c.13169C>T on transcript NM_001291303.3 (MANE Select); coding-DNA position 13169, C replaced by T.
Protein change: p.Ser4390Leu; replaces serine 4390 with leucine.
Molecular consequence: missense variant.
Genome position (GRCh38, 1-based): chr4:125,489,985, C>T. VCF-style: chr4-125489985-C-T. GRCh37 (hg19) VCF-style: chr4-126411140-C-T.
Other names: c.13166C>T, p.Ser4389Leu (NM_001291285.3); c.13163C>T, p.Ser4388Leu (NM_024582.6); short protein forms S4389L, S4388L, S4390L.
Identifiers: ClinVar variation 2088528 (VCV002088528.4), dbSNP rs2530080177, ClinGen allele CA358135818.